The following is an entry in ClinVar:

ClinVar aggregate classification (germline): Uncertain significance (1 of 4 stars; one submission).

Conditions:
Epileptic encephalopathy. Identifiers: MedGen C0543888, HP:0200134.

gnomAD v4.1: 10 of 1,609,726 alleles (0.00062%); highest among the groups gnomAD compares: African/African-American, 0.0094%; no homozygotes.

Submission:

Labcorp Genetics (formerly Invitae), Labcorp
Classification: Uncertain significance for Epileptic encephalopathy. Last evaluated: 2026-01-28. Review status: criteria provided, single submitter. Criteria: Invitae Variant Classification Sherloc (09022015). Collection method: clinical testing. Allele origin: germline.
Comment: This sequence change falls in intron 10 of the FASN gene. It does not directly change the encoded amino acid sequence of the FASN protein. It affects a nucleotide within the consensus splice site. This variant is present in population databases (rs368892638, gnomAD 0.01%). This variant has not been reported in the literature in individuals affected with FASN-related conditions. Variants that disrupt the consensus splice site are a relatively common cause of aberrant splicing (PMID: 17576681, 9536098). Algorithms developed to predict the effect of sequence changes on RNA splicing suggest that this variant is not likely to affect RNA splicing. In summary, the available evidence is currently insufficient to determine the role of this variant in disease. Therefore, it has been classified as a Variant of Uncertain Significance.

Literature cited by the submitters: PubMed 17576681; PubMed 9536098.

NM_004104.5(FASN):c.1681-3C>T

Gene: FASN (fatty acid synthase; minus strand). Cytogenetic location: 17q25.3.
Variant type: single nucleotide variant.
Coding change: c.1681-3C>T on transcript NM_004104.5 (MANE Select); 3 bases into the intron before coding-DNA position 1681, C replaced by T.
Molecular consequence: intron variant.
Genome position (GRCh38, 1-based): chr17:82,090,567, G>A on the plus strand (C>T on the coding strand, the complement: FASN is on the minus strand). VCF-style: chr17-82090567-G-A. GRCh37 (hg19) VCF-style: chr17-80048443-G-A.
Identifiers: ClinVar variation 4747026 (VCV004747026.1).